The following is an entry in ClinVar:

ClinVar aggregate classification (germline): Likely benign. Review status: criteria provided, multiple submitters, no conflicts (2 of 4 stars). 3 submissions from 3 submitters: Likely benign (2). 1 of the submissions does not count toward it. Last evaluated 2026-01-23.

Conditions:
LRRC56-related disorder. Also called: LRRC56-related condition.

Allele frequency attached by ClinVar (database versions not stated): gnomAD exomes 0.00019; 1000 Genomes Project 0.00020; 1000 Genomes Project 30x 0.00031; ExAC 0.00055; ESP Exome Variant Server 0.00082; gnomAD 0.00117 and 0.00130; TOPMed 0.00132.
gnomAD v4.1: 322 of 1,535,608 alleles (0.021%); highest among the groups gnomAD compares: African/African-American, 0.42%; no homozygotes.

Submissions (3):

Labcorp Genetics (formerly Invitae), Labcorp
Classification: Likely benign. Last evaluated: 2026-01-23. Review status: criteria provided, single submitter. Criteria: Invitae Variant Classification Sherloc (09022015). Collection method: clinical testing. Allele origin: germline.

Ambry Genetics
Classification: Likely benign. Last evaluated: 2025-08-03. Review status: criteria provided, single submitter. Criteria: Ambry Variant Classification Scheme 2023. Collection method: clinical testing. Allele origin: germline.

PreventionGenetics, part of Exact Sciences
Classification: Likely benign for LRRC56-related condition. Last evaluated: 2024-07-22. Review status: no assertion criteria provided. Collection method: clinical testing. Allele origin: germline. Not counted in ClinVar's aggregate classification.
Comment: This variant is classified as likely benign based on ACMG/AMP sequence variant interpretation guidelines (Richards et al. 2015 PMID: 25741868, with internal and published modifications).

NM_198075.4(LRRC56):c.772A>C (p.Lys258Gln)

Gene: LRRC56 (leucine rich repeat containing 56; plus strand). Cytogenetic location: 11p15.5.
Variant type: single nucleotide variant.
Coding change: c.772A>C on transcript NM_198075.4 (MANE Select); coding-DNA position 772, A replaced by C.
Protein change: p.Lys258Gln; replaces lysine 258 with glutamine.
Molecular consequence: missense variant.
Genome position (GRCh38, 1-based): chr11:551,278, A>C. VCF-style: chr11-551278-A-C. GRCh37 (hg19) VCF-style: chr11-551278-A-C.
Other names: c.772A>C (NM_198075.3); short protein forms K258Q.
Identifiers: ClinVar variation 1546914 (VCV001546914.11), dbSNP rs201686877, ClinGen allele CA5779811.
Genomic context (GRCh38, chr11:551,278, plus strand): 5'-GGCCCACCGGCCCCCCCGCGGCTGAGCCAGGACTGGCTTGCGGTGAAGGAGGCCATCAAG[A>C]AGGGCAACGGCCTTCCCCCGCTGGGTACGGCAGCTGCGCCCGGAGGACCCACTGCTGAGC-3'
Protein context (NP_932341.1, residues 248-268): DWLAVKEAIK[Lys258Gln]GNGLPPLDCP